The following continues an entry in ClinVar:

NM_000059.4(BRCA2):c.8149G>T (p.Ala2717Ser)

Gene: BRCA2. ClinVar aggregate classification (germline): Benign. Benign (1).

Submissions 16 to 42 of 42:

Laboratory for Molecular Medicine, Mass General Brigham Personalized Medicine
Classification: Uncertain significance. Last evaluated: 2016-03-28. Review status: criteria provided, single submitter. Criteria: LMM Criteria. Collection method: clinical testing. Allele origin: germline. Not counted in ClinVar's aggregate classification.
Comment: Variant identified in a genome or exome case(s) and assessed due to predicted null impact of the variant or pathogenic assertions in the literature or databases. Disclaimer: This variant has not undergone full assessment. The following are preliminary notes: Clinvar: 10 labs classify as LB/Ben; ExAC: 0.2% (118/66734) European chromosomes

Vantari Genetics
Classification: Likely benign for Hereditary cancer-predisposing syndrome. Last evaluated: 2015-12-18. Review status: criteria provided, single submitter. Criteria: ACMG Guidelines, 2015. Collection method: clinical testing. Allele origin: germline. Not counted in ClinVar's aggregate classification.

Clinical Genetics DNA and cytogenetics Diagnostics Lab, Erasmus MC, Erasmus Medical Center
Classification: Benign for Breast-ovarian cancer, familial, susceptibility to, 2. Last evaluated: 2015-09-21. Review status: criteria provided, single submitter. Criteria: ACGS Guidelines, 2013. Collection method: clinical testing. Allele origin: germline. Affected: yes. Study: VKGL Data-share Consensus. Not counted in ClinVar's aggregate classification.

Fulgent Genetics
Classification: Likely benign for Breast-ovarian cancer, familial, susceptibility to, 2. Last evaluated: 2015-09-16. Review status: criteria provided, single submitter. Criteria: ACMG Guidelines, 2015. Collection method: clinical testing. Allele origin: unknown. Not counted in ClinVar's aggregate classification.

Genome Diagnostics Laboratory, University Medical Center Utrecht
Classification: Benign for Breast-ovarian cancer, familial, susceptibility to, 2. Last evaluated: 2015-08-24. Review status: criteria provided, single submitter. Criteria: ACGS Guidelines, 2013. Collection method: clinical testing. Allele origin: germline. Affected: yes. Study: VKGL Data-share Consensus. Not counted in ClinVar's aggregate classification.

Color Diagnostics, LLC DBA Color Health
Classification: Likely benign for Hereditary cancer-predisposing syndrome. Last evaluated: 2015-02-11. Review status: criteria provided, single submitter. Criteria: ACMG Guidelines, 2015. Collection method: clinical testing. Allele origin: germline. Not counted in ClinVar's aggregate classification.

Ambry Genetics
Classification: Benign for Hereditary cancer-predisposing syndrome. Last evaluated: 2014-11-19. Review status: criteria provided, single submitter. Criteria: Ambry Variant Classification Scheme 2023. Collection method: clinical testing. Allele origin: germline. Not counted in ClinVar's aggregate classification.

Molecular Genetics Laboratory, University of Michigan
Classification: Benign for Breast-ovarian cancer, familial, susceptibility to, 2. Last evaluated: 2014-11-03. Review status: criteria provided, single submitter. Criteria: ACMG Guidelines, 2015. Collection method: clinical testing. Allele origin: germline. Affected: yes. Not counted in ClinVar's aggregate classification.

Eurofins Ntd Llc (ga)
Classification: Benign. Last evaluated: 2014-08-15. Review status: criteria provided, single submitter. Criteria: EGL Classification Definitions 2015. Collection method: clinical testing. Allele origin: germline. Observed: 6 variant alleles, 6 heterozygotes. Not counted in ClinVar's aggregate classification.

Women's Health and Genetics/Laboratory Corporation of America, LabCorp
Classification: Benign for Hereditary breast ovarian cancer syndrome. Last evaluated: 2014-04-03. Review status: criteria provided, single submitter. Criteria: LabCorp Variant Classification Summary - May 2015. Collection method: clinical testing. Allele origin: germline. Not counted in ClinVar's aggregate classification.

GeneDx
Classification: Benign. Last evaluated: 2013-11-26. Review status: criteria provided, single submitter. Criteria: GeneDx Variant Classification (06012015). Collection method: clinical testing. Allele origin: germline. Affected: yes. Not counted in ClinVar's aggregate classification.
Comment: This variant is considered likely benign or benign based on one or more of the following criteria: it is a conservative change, it occurs at a poorly conserved position in the protein, it is predicted to be benign by multiple in silico algorithms, and/or has population frequency not consistent with disease.

PreventionGenetics, part of Exact Sciences
Classification: Likely benign for BRCA2-related condition. Last evaluated: 2024-05-01. Review status: no assertion criteria provided. Collection method: clinical testing. Allele origin: germline. Not counted in ClinVar's aggregate classification.
Comment: This variant is classified as likely benign based on ACMG/AMP sequence variant interpretation guidelines (Richards et al. 2015 PMID: 25741868, with internal and published modifications).

BRCAlab, Lund University
Classification: Benign for Breast-ovarian cancer, familial, susceptibility to, 2. Last evaluated: 2020-03-02. Review status: no assertion criteria provided. Collection method: clinical testing. Allele origin: germline. Affected: yes. Not counted in ClinVar's aggregate classification.

True Health Diagnostics
Classification: Likely benign for Hereditary cancer-predisposing syndrome. Last evaluated: 2018-01-05. Review status: no assertion criteria provided. Collection method: clinical testing. Allele origin: germline. Not counted in ClinVar's aggregate classification.

Mayo Clinic Laboratories, Mayo Clinic
Classification: Benign. Last evaluated: 2015-10-07. Review status: no assertion criteria provided. Collection method: clinical testing. Allele origin: unknown. Not counted in ClinVar's aggregate classification.

Pathway Genomics
Classification: Benign for Breast-ovarian cancer, familial 2. Last evaluated: 2014-11-06. Review status: no assertion criteria provided. Collection method: clinical testing. Allele origin: germline. Not counted in ClinVar's aggregate classification.

Counsyl
Classification: Benign for Breast-ovarian cancer, familial 2. Last evaluated: 2014-03-05. Review status: no assertion criteria provided. Collection method: literature only. Allele origin: unknown. Inheritance: Autosomal dominant inheritance. Not counted in ClinVar's aggregate classification.

ITMI
No classification provided. Condition: AllHighlyPenetrant. Last evaluated: 2013-09-19. Review status: no classification provided. Collection method: reference population. Allele origin: germline. Not counted in ClinVar's aggregate classification.
Comment: Please see associated publication for description of ethnicities

Biesecker Lab/Clinical Genomics Section, National Institutes of Health
Classification: Likely benign. Last evaluated: 2012-07-13. Review status: no assertion criteria provided. Collection method: research. Allele origin: germline. Affected: no. Observed: 1 variant allele. Study: ClinSeq. Not counted in ClinVar's aggregate classification.
ClinVar note: Converted during submission from probably not pathogenic to Likely benign.

Sharing Clinical Reports Project (SCRP)
Classification: Benign for Breast-ovarian cancer, familial 2. Last evaluated: 2012-05-01. Review status: no assertion criteria provided. Collection method: clinical testing. Allele origin: germline. Not counted in ClinVar's aggregate classification.

Breast Cancer Information Core (BIC) (BRCA2)
Classification: Benign for Breast-ovarian cancer, familial 2. Last evaluated: 2002-05-29. Review status: no assertion criteria provided. Collection method: clinical testing. Allele origin: germline. Affected: yes. Observed: 112 variant alleles. Not counted in ClinVar's aggregate classification.

Foulkes Cancer Genetics LDI, Lady Davis Institute for Medical Research
Classification: Uncertain significance for Breast and/or ovarian cancer. Last evaluated: 2001-02-15. Review status: no assertion criteria provided. Collection method: clinical testing. Allele origin: germline. Study: The Canadian Open Genetics Repository (COGR). Not counted in ClinVar's aggregate classification.

Clinical Genetics Laboratory, Department of Pathology, Netherlands Cancer Institute
Classification: Benign. Review status: no assertion criteria provided. Collection method: clinical testing. Allele origin: germline. Affected: yes. Study: VKGL Data-share Consensus. Not counted in ClinVar's aggregate classification.

Department of Pathology and Laboratory Medicine, Sinai Health System
Classification: Benign for Malignant tumor of breast. Review status: no assertion criteria provided. Collection method: clinical testing. Allele origin: unknown. Affected: yes. Study: The Canadian Open Genetics Repository (COGR). Not counted in ClinVar's aggregate classification.
Comment: The p.Ala2717Ser variant has been identified in five individuals from our laboratory, 36 times in the UMD-BRCA2 database and 112 times in the BIC database. The variant was identified in 19 of 7810 proband chromosomes in individuals with breast, ovarian and prostate cancer patients (Edwards 2003, Diez 2003, Lubinski 2004, Salazar 2006, Giannini 2006, Soegaard 2008, Caux-Moncoutier 2009, Capanu 2011). However, an inadequate number of control chromosomes were tested to establish the variants frequency in the general population. This variant is listed in dbSNP database as coming from a "clinical source" (ID#: rs28897747) and was identified in more than one population with an average heterozygosity of 0.004+/-0.046, increasing the likelihood that this is a low frequency benign variant. The Ala2717 residue is not highly conserved in mammals and neither computational analyses (SIFT, AlignGVGD) nor other in silico protein modeling predictions (Karchin 2008, Spurdle 2008) suggest a high likelihood of impact to the protein. However, this information is not predictive enough to rule out pathogenicity. Finally, this variant was identified in at least three individuals in the UMD database who had a second premature truncating variant that is expected to be pathogenic, increasing the likelihood that the p.Ala2712Ser variant is not clinically significant. In summary, based on the above information this variant is classified as Benign.

Diagnostic Laboratory, Department of Genetics, University Medical Center Groningen
Classification: Benign for Breast-ovarian cancer, familial, susceptibility to, 2. Review status: no assertion criteria provided. Collection method: clinical testing. Allele origin: germline. Affected: yes. Study: VKGL Data-share Consensus. Not counted in ClinVar's aggregate classification.

Joint Genome Diagnostic Labs from Nijmegen and Maastricht, Radboudumc and MUMC+
Classification: Benign. Review status: no assertion criteria provided. Collection method: clinical testing. Allele origin: germline. Affected: yes. Study: VKGL Data-share Consensus. Not counted in ClinVar's aggregate classification.

Laboratory of Diagnostic Genome Analysis, Leiden University Medical Center (LUMC)
Classification: Likely benign. Review status: no assertion criteria provided. Collection method: clinical testing. Allele origin: germline. Affected: yes. Study: VKGL Data-share Consensus. Not counted in ClinVar's aggregate classification.

Literature cited by the submitters: DOI 10.3389/fgene.2022.834265 (cited by National Health Laboratory Service, Universitas Academic Hospital and University of the Free State); PubMed 15131399 (cited by Illumina Laboratory Services, Illumina); PubMed 10882858 (cited by Illumina Laboratory Services, Illumina); PubMed 15876480 (cited by Illumina Laboratory Services, Illumina); PubMed 18284688 (cited by Illumina Laboratory Services, Illumina); PubMed 16905680 (cited by Illumina Laboratory Services, Illumina); PubMed 24323938 (cited by Eurofins Ntd Llc (ga) and Women's Health and Genetics/Laboratory Corporation of America, LabCorp); PubMed 24728327 (cited by Eurofins Ntd Llc (ga) and ITMI); PubMed 21990134 (cited by 3 submitters); PubMed 20104584 (cited by Women's Health and Genetics/Laboratory Corporation of America, LabCorp); PubMed 21520273 (cited by Women's Health and Genetics/Laboratory Corporation of America, LabCorp and Counsyl); PubMed 18559594 (cited by Women's Health and Genetics/Laboratory Corporation of America, LabCorp); PubMed 11802209 (cited by Women's Health and Genetics/Laboratory Corporation of America, LabCorp); PubMed 19471317 (cited by Women's Health and Genetics/Laboratory Corporation of America, LabCorp); PubMed 18375895 (cited by Pathway Genomics); PubMed 21702907 (cited by Counsyl); PubMed 21952622 (cited by Counsyl); PubMed 12474142 (cited by Counsyl); PubMed 12955716 (cited by Counsyl); PubMed 23231788 (cited by Counsyl).